The following is an entry in ClinVar:

NM_001350451.2(RBFOX3):c.38C>G (p.Pro13Arg)

Gene: RBFOX3 (RNA binding fox-1 homolog 3; minus strand). Cytogenetic location: 17q25.3.
Variant type: single nucleotide variant.
Coding change: c.38C>G on transcript NM_001350451.2 (MANE Select); coding-DNA position 38, C replaced by G.
Protein change: p.Pro13Arg; replaces proline 13 with arginine.
Molecular consequence: missense variant.
Genome position (GRCh38, 1-based): chr17:79,115,678, G>C on the plus strand (C>G on the coding strand, the complement: RBFOX3 is on the minus strand). VCF-style: chr17-79115678-G-C. GRCh37 (hg19) VCF-style: chr17-77111760-G-C.
Other names: c.38C>G, p.Pro13Arg (NM_001082575.3, NM_001350453.2, NM_001385814.1 and 43 more transcripts); short protein forms P13R.
Identifiers: ClinVar variation 1021646 (VCV001021646.8), dbSNP rs1226535060, ClinGen allele CA401318227.

ClinVar aggregate classification (germline): Uncertain significance (1 of 4 stars; one submission).

Conditions:
Idiopathic generalized epilepsy. Also called: Generalised epilepsy; EIG. Identifiers: MedGen C0270850, MONDO:0005579, OMIM 600669.

Submission:

Labcorp Genetics (formerly Invitae), Labcorp
Classification: Uncertain significance for Idiopathic generalized epilepsy. Last evaluated: 2022-07-18. Review status: criteria provided, single submitter. Criteria: Invitae Variant Classification Sherloc (09022015). Collection method: clinical testing. Allele origin: germline.
Comment: This sequence change replaces proline, which is neutral and non-polar, with arginine, which is basic and polar, at codon 13 of the RBFOX3 protein (p.Pro13Arg). This variant is not present in population databases (gnomAD no frequency). In summary, the available evidence is currently insufficient to determine the role of this variant in disease. Therefore, it has been classified as a Variant of Uncertain Significance. Algorithms developed to predict the effect of missense changes on protein structure and function are either unavailable or do not agree on the potential impact of this missense change (SIFT: "Deleterious"; PolyPhen-2: "Not Available"; Align-GVGD: "Class C0"). ClinVar contains an entry for this variant (Variation ID: 1021646). This variant has not been reported in the literature in individuals affected with RBFOX3-related conditions.